The following is an entry in ClinVar:

NM_001386298.1(CIC):c.5903-1G>A

Gene: CIC (capicua transcriptional repressor; plus strand). Cytogenetic location: 19q13.2.
Variant type: single nucleotide variant.
Coding change: c.5903-1G>A on transcript NM_001386298.1 (MANE Select); the canonical splice acceptor site of the intron before coding-DNA position 5903, G replaced by A.
Molecular consequence: splice acceptor variant.
Genome position (GRCh38, 1-based): chr19:42,292,565, G>A. VCF-style: chr19-42292565-G-A. GRCh37 (hg19) VCF-style: chr19-42796717-G-A.
Other names: c.5903-1G>A (NM_001304815.2, NM_001379482.1, NM_001379480.1); c.3176-1G>A (NM_015125.5, NM_001379484.1, NM_001379485.1).
Identifiers: ClinVar variation 3358946 (VCV003358946.2).
Genomic context (GRCh38, chr19:42,292,565, plus strand): 5'-GTGGGGCTGAGGCAGTCCGGGCCCTAACTTGGTCTCCTGCTTCTTCTTCTCTGTCTTTCA[G>A]CAGGCCAAGCCCCACTGCTGGCTCCCGGTCAGGTGGGCGTGTCACCTGTGCCCAGTCCCC-3'

ClinVar aggregate classification (germline): Likely pathogenic. Review status: criteria provided, single submitter (1 of 4 stars). 2 submissions from 1 submitter: Likely pathogenic (2). Last evaluated 2024-10-01.

Conditions:
Intellectual developmental disorder, autosomal dominant 1. Also called: MBD5 Haploinsufficiency; Intellectual disability, autosomal dominant 1. Identifiers: Orphanet 228402, MedGen C1969562, MONDO:0007974, OMIM 156200.
Intellectual developmental disorder, autosomal dominant 45. Also called: MENTAL RETARDATION, AUTOSOMAL DOMINANT 45; Intellectual disability, autosomal dominant 45. Identifiers: MedGen C4539848, MONDO:0030910, OMIM 617600.

gnomAD v4.1: 1 of 1,613,014 alleles (0.000062%); highest among the groups gnomAD compares: Non-Finnish European, 0.000085%; no homozygotes.

Submissions (2):

Institute of Human Genetics, University of Leipzig Medical Center
Classification: Likely pathogenic for Intellectual developmental disorder, autosomal dominant 1. Last evaluated: 2024-10-01. Review status: criteria provided, single submitter. Criteria: ACMG Guidelines, 2015. Collection method: clinical testing. Allele origin: unknown. Affected: yes.
Comment: Criteria applied: PVS1_STR,PS1_MOD,PM2_SUP

Institute of Human Genetics, University of Leipzig Medical Center
Classification: Likely pathogenic for Intellectual developmental disorder, autosomal dominant 45. Last evaluated: 2024-04-17. Review status: criteria provided, single submitter. Criteria: ACMG Guidelines, 2015. Collection method: clinical testing. Allele origin: unknown. Inheritance: Autosomal dominant inheritance. Affected: yes.
Comment: Criteria applied: PVS1,PM2_SUP